The following is an entry in ClinVar:

NM_012452.3(TNFRSF13B):c.764G>A (p.Cys255Tyr)

Gene: TNFRSF13B (TNF receptor superfamily member 13B; minus strand). Cytogenetic location: 17p11.2.
Variant type: single nucleotide variant.
Coding change: c.764G>A on transcript NM_012452.3 (MANE Select); coding-DNA position 764, G replaced by A.
Protein change: p.Cys255Tyr; replaces cysteine 255 with tyrosine.
Molecular consequence: missense variant.
Genome position (GRCh38, 1-based): chr17:16,939,665, C>T on the plus strand (G>A on the coding strand, the complement: TNFRSF13B is on the minus strand). VCF-style: chr17-16939665-C-T. GRCh37 (hg19) VCF-style: chr17-16842979-C-T.
Other names: short protein forms C255Y.
Identifiers: ClinVar variation 2171285 (VCV002171285.5), dbSNP rs758545106, ClinGen allele CA8413855.

ClinVar aggregate classification (germline): Uncertain significance. Review status: criteria provided, multiple submitters, no conflicts (2 of 4 stars). 2 submissions from 2 submitters: Uncertain significance (2). Last evaluated 2023-07-03.

Conditions:
TNFRSF13B-related disorder. Also called: TNFRSF13B-related condition.
Immunodeficiency, common variable, 2 (CVID2). Also called: ANTIBODY DEFICIENCY DUE TO TACI DEFECT; HYPOGAMMAGLOBULINEMIA DUE TO TACI DEFICIENCY. Identifiers: Orphanet 1572, MedGen C3150354, MONDO:0009413, OMIM 240500.

Allele frequency attached by ClinVar (database versions not stated): gnomAD exomes 0.00001; TOPMed 0.00004; gnomAD 0.00005; ExAC 0.00006.
gnomAD v4.1: 18 of 1,611,886 alleles (0.0011%); highest among the groups gnomAD compares: East Asian, 0.036%; no homozygotes.

Submissions (2):

Labcorp Genetics (formerly Invitae), Labcorp
Classification: Uncertain significance for Immunodeficiency, common variable, 2. Last evaluated: 2023-07-03. Review status: criteria provided, single submitter. Criteria: Invitae Variant Classification Sherloc (09022015). Collection method: clinical testing. Allele origin: germline.
Comment: This sequence change replaces cysteine, which is neutral and slightly polar, with tyrosine, which is neutral and polar, at codon 255 of the TNFRSF13B protein (p.Cys255Tyr). This variant is present in population databases (rs758545106, gnomAD 0.1%). This variant has not been reported in the literature in individuals affected with TNFRSF13B-related conditions. ClinVar contains an entry for this variant (Variation ID: 2171285). Advanced modeling of protein sequence and biophysical properties (such as structural, functional, and spatial information, amino acid conservation, physicochemical variation, residue mobility, and thermodynamic stability) performed at Invitae indicates that this missense variant is not expected to disrupt TNFRSF13B protein function. In summary, the available evidence is currently insufficient to determine the role of this variant in disease. Therefore, it has been classified as a Variant of Uncertain Significance.

PreventionGenetics, part of Exact Sciences
Classification: Uncertain significance for TNFRSF13B-related condition. Last evaluated: 2023-05-16. Review status: criteria provided, single submitter. Criteria: ACMG Guidelines, 2015. Collection method: clinical testing. Allele origin: germline.
Comment: The TNFRSF13B c.764G>A variant is predicted to result in the amino acid substitution p.Cys255Tyr. To our knowledge, this variant has not been reported in the literature. This variant is reported in 0.11% of alleles in individuals of East Asian descent in gnomAD. At this time, the clinical significance of this variant is uncertain due to the absence of conclusive functional and genetic evidence.